The following is an entry in ClinVar:

ClinVar aggregate classification (germline): other (0 of 4 stars; one submission).

Conditions:
Familial colorectal cancer. Identifiers: MedGen CN280943, MONDO:0023113. Disease mechanism: loss of function.

Submission:

Systems Biology Platform Zhejiang California International NanoSystems Institute
Classification: other for Familial colorectal cancer. Review status: no assertion criteria provided. Collection method: not provided. Allele origin: unknown.
ClinVar note: Converted during submission from cancer to other.

NM_000038.6(APC):c.*137G>A

Gene: APC (APC regulator of WNT signaling pathway; plus strand). Cytogenetic location: 5q22.2.
Variant type: single nucleotide variant.
Coding change: c.*137G>A on transcript NM_000038.6 (MANE Select); 137 bases downstream of the stop codon, G replaced by A.
Molecular consequence: 3 prime UTR variant.
Genome position (GRCh38, 1-based): chr5:112,844,263, G>A. VCF-style: chr5-112844263-G-A. GRCh37 (hg19) VCF-style: chr5-112179960-G-A.
Other names: c.*137G>A (NM_001127510.3, NM_001127511.3, NM_001354895.2 and 11 more transcripts).
Identifiers: ClinVar variation 83255 (VCV000083255.2), dbSNP rs75440329, ClinGen allele CA004882.